The following is an entry in ClinVar:

NM_000089.4(COL1A2):c.1228G>T (p.Ala410Ser)

Gene: COL1A2 (collagen type I alpha 2 chain; plus strand). Cytogenetic location: 7q21.3.
Variant type: single nucleotide variant.
Coding change: c.1228G>T on transcript NM_000089.4 (MANE Select); coding-DNA position 1228, G replaced by T.
Protein change: p.Ala410Ser; replaces alanine 410 with serine.
Molecular consequence: missense variant.
Genome position (GRCh38, 1-based): chr7:94,410,919, G>T. VCF-style: chr7-94410919-G-T. GRCh37 (hg19) VCF-style: chr7-94040231-G-T.
Other names: short protein forms A410S.
Identifiers: ClinVar variation 659581 (VCV000659581.10), dbSNP rs1235071648, ClinGen allele CA368221417.

ClinVar aggregate classification (germline): Uncertain significance (1 of 4 stars; one submission).

Conditions:
Osteogenesis imperfecta type I (OI1). Also called: OI, TYPE I; OSTEOGENESIS IMPERFECTA TARDA; OSTEOGENESIS IMPERFECTA WITH BLUE SCLERAE; Osteogenesis imperfecta type 1; Classic Non-deforming Osteogenesis Imperfecta with Blue Sclerae; Lobstein's Disease. Identifiers: Orphanet 216796, Orphanet 666, MedGen C0023931, MONDO:0008146, OMIM 166200. Disease mechanism: loss of function.
Ehlers-Danlos syndrome, classic type, 1 (EDSCL1). Also called: EDS I; EHLERS-DANLOS SYNDROME, GRAVIS TYPE; EHLERS-DANLOS SYNDROME, SEVERE CLASSIC TYPE; Ehlers-Danlos Syndrome, Classic Type, COL5A1-Related; Ehlers-Danlos syndrome, type 1. Identifiers: MedGen C0268335, MONDO:0019567, OMIM 130000.

Allele frequency attached by ClinVar (database versions not stated): TOPMed 0.00001.
gnomAD v4.1: 6 of 1,613,908 alleles (0.00037%); highest among the groups gnomAD compares: Admixed American, 0.0067%; no homozygotes.

Submission:

Labcorp Genetics (formerly Invitae), Labcorp
Classification: Uncertain significance for Osteogenesis imperfecta type I; Ehlers-Danlos syndrome, classic type, 1. Last evaluated: 2025-04-11. Review status: criteria provided, single submitter. Criteria: Invitae Variant Classification Sherloc (09022015). Collection method: clinical testing. Allele origin: germline.
Comment: This sequence change replaces alanine, which is neutral and non-polar, with serine, which is neutral and polar, at codon 410 of the COL1A2 protein (p.Ala410Ser). This variant is not present in population databases (gnomAD no frequency). This variant has not been reported in the literature in individuals affected with COL1A2-related conditions. ClinVar contains an entry for this variant (Variation ID: 659581). Invitae Evidence Modeling of protein sequence and biophysical properties (such as structural, functional, and spatial information, amino acid conservation, physicochemical variation, residue mobility, and thermodynamic stability) indicates that this missense variant is not expected to disrupt COL1A2 protein function with a negative predictive value of 95%. In summary, the available evidence is currently insufficient to determine the role of this variant in disease. Therefore, it has been classified as a Variant of Uncertain Significance.